The following is an entry in ClinVar:

ClinVar aggregate classification (germline): Uncertain significance (1 of 4 stars; one submission).

gnomAD v4.1: 1 of 1,608,290 alleles (0.000062%); highest among the groups gnomAD compares: South Asian, 0.0011%; no homozygotes.

Submission:

GeneDx
Classification: Uncertain significance. Last evaluated: 2022-05-24. Review status: criteria provided, single submitter. Criteria: GeneDx Variant Classification Process June 2021. Collection method: clinical testing. Allele origin: germline. Affected: yes.
Comment: Not observed at significant frequency in large population cohorts (gnomAD); In silico analysis supports that this missense variant does not alter protein structure/function; Has not been previously published as pathogenic or benign to our knowledge

NM_004370.6(COL12A1):c.6250C>G (p.Pro2084Ala)

Gene: COL12A1 (collagen type XII alpha 1 chain; minus strand). Cytogenetic location: 6q13.
Variant type: single nucleotide variant.
Coding change: c.6250C>G on transcript NM_004370.6 (MANE Select); coding-DNA position 6250, C replaced by G.
Protein change: p.Pro2084Ala; replaces proline 2084 with alanine.
Molecular consequence: missense variant.
Genome position (GRCh38, 1-based): chr6:75,128,386, G>C on the plus strand (C>G on the coding strand, the complement: COL12A1 is on the minus strand). VCF-style: chr6-75128386-G-C. GRCh37 (hg19) VCF-style: chr6-75838102-G-C.
Other names: c.2758C>G, p.Pro920Ala (NM_080645.3); short protein forms P2084A, P920A.
Identifiers: ClinVar variation 1801162 (VCV001801162.1), dbSNP rs2533255271, ClinGen allele CA364730463.